The following is an entry in ClinVar:

ClinVar aggregate classification (germline): Uncertain significance (1 of 4 stars; one submission).

Conditions:
Leber congenital amaurosis 6 (LCA6). Identifiers: Orphanet 65, MedGen C1854260, MONDO:0013446, OMIM 613826.
Cone-rod dystrophy 13 (CORD13). Identifiers: Orphanet 1872, MedGen C2750720, MONDO:0011987, OMIM 608194.

Submission:

Labcorp Genetics (formerly Invitae), Labcorp
Classification: Uncertain significance for Leber congenital amaurosis 6; Cone-rod dystrophy 13. Last evaluated: 2023-09-17. Review status: criteria provided, single submitter. Criteria: Invitae Variant Classification Sherloc (09022015). Collection method: clinical testing. Allele origin: germline.
Comment: In summary, the available evidence is currently insufficient to determine the role of this variant in disease. Therefore, it has been classified as a Variant of Uncertain Significance. Variants that disrupt the consensus splice site are a relatively common cause of aberrant splicing (PMID: 17576681, 9536098). Algorithms developed to predict the effect of sequence changes on RNA splicing suggest that this variant may disrupt the consensus splice site. An algorithm developed to predict the effect of missense changes on protein structure and function (PolyPhen-2) suggests that this variant is likely to be disruptive. This missense change has been observed in individual(s) with clinical features of RPGRIP1-related conditions (Invitae). This variant is not present in population databases (gnomAD no frequency). This sequence change replaces glutamine, which is neutral and polar, with histidine, which is basic and polar, at codon 965 of the RPGRIP1 protein (p.Gln965His). This variant also falls at the last nucleotide of exon 17, which is part of the consensus splice site for this exon.

Literature cited by the submitters: PubMed 17576681; PubMed 9536098.

NM_020366.4(RPGRIP1):c.2895G>C (p.Gln965His)

Gene: RPGRIP1 (RPGR interacting protein 1; plus strand). Cytogenetic location: 14q11.2.
Variant type: single nucleotide variant.
Coding change: c.2895G>C on transcript NM_020366.4 (MANE Select); coding-DNA position 2895, G replaced by C.
Protein change: p.Gln965His; replaces glutamine 965 with histidine.
Molecular consequence: missense variant.
Genome position (GRCh38, 1-based): chr14:21,327,807, G>C. VCF-style: chr14-21327807-G-C. GRCh37 (hg19) VCF-style: chr14-21795966-G-C.
Other names: c.873G>C, p.Gln291His (NM_001377523.1, NM_001377950.1); c.1821G>C, p.Gln607His (NM_001377948.1); c.981G>C, p.Gln327His (NM_001377949.1); c.375G>C, p.Gln125His (NM_001377951.1); short protein forms Q291H, Q607H, Q125H, Q965H, Q327H.
Identifiers: ClinVar variation 2946032 (VCV002946032.3), dbSNP rs2502841263, ClinGen allele CA388870852.
Genomic context (GRCh38, chr14:21,327,807, plus strand): 5'-GGATACCAAGGACAGTTCAAAGATCTCATCTGAAGAGGAAAAGGCTTCATTTCCTTCCCA[G>C]GTAACTCTCCAGGACTCCACAGGTAGCAGATCTCTGCCAATCCTATGGAGCAGATTTGAA-3'
Protein context (NP_065099.3, residues 955-975): SEEEKASFPS[Gln965His]DQMASPEVPI